The following is an entry in ClinVar:

ClinVar aggregate classification (germline): Uncertain significance (1 of 4 stars; one submission).

Conditions:
Cardiovascular phenotype. Identifiers: MedGen CN230736.

Submission:

Ambry Genetics
Classification: Uncertain significance for Cardiovascular phenotype. Last evaluated: 2024-03-01. Review status: criteria provided, single submitter. Criteria: Ambry Variant Classification Scheme 2023. Collection method: clinical testing. Allele origin: germline.
Comment: The c.92+3G>A intronic variant results from a G to A substitution 3 nucleotides after coding exon 2 in the TRPM4 gene. This nucleotide position is well conserved in available vertebrate species. In silico splice site analysis predicts that this alteration will not have any significant effect on splicing. Based on the available evidence, the clinical significance of this alteration remains unclear.

NM_017636.4(TRPM4):c.92+3G>A

Gene: TRPM4 (transient receptor potential cation channel subfamily M member 4; plus strand). Cytogenetic location: 19q13.33.
Variant type: single nucleotide variant.
Coding change: c.92+3G>A on transcript NM_017636.4 (MANE Select); 3 bases into the intron after coding-DNA position 92, G replaced by A.
Molecular consequence: intron variant.
Genome position (GRCh38, 1-based): chr19:49,158,262, G>A. VCF-style: chr19-49158262-G-A. GRCh37 (hg19) VCF-style: chr19-49661519-G-A.
Other names: c.92+3G>A (NM_001195227.2, NM_001321281.2); c.-1281+3G>A (NM_001321282.2); c.-75+3G>A (NM_001321283.2); c.-238+3G>A (NM_001321285.2).
Identifiers: ClinVar variation 3227036 (VCV003227036.1), dbSNP rs2514024755, ClinGen allele CA2825002814.